The following is an entry in ClinVar:

ClinVar aggregate classification (germline): Pathogenic/Likely pathogenic. Review status: criteria provided, multiple submitters, no conflicts (2 of 4 stars). 12 submissions from 12 submitters: Pathogenic (8); Likely pathogenic (1). 3 of the submissions do not count toward it. Last evaluated 2026-06-11.

Conditions:
LPL-related disorder. Also called: LPL-related condition.
Cardiovascular phenotype. Identifiers: MedGen CN230736.
Hyperlipoproteinemia, type I. Also called: Hyperlipoproteinemia type 1; Hyperchylomicro-nemia familial; Familial chylomicronemia; Hyperlipemia idiopathic Burger-Grutz type; Familial hyperlipo-proteinemia type 1; Hyperlipemia essential familial. Identifiers: Orphanet 309015, Orphanet 444490, MedGen C0023817, MONDO:0009387, OMIM 238600. Disease mechanism: loss of function.
Hyperlipidemia, familial combined, LPL related (FCHL3). Also called: Hyperapobetalipoproteinemia. Identifiers: MedGen C0020474, MONDO:0007759, OMIM 144250, HP:0008158.

Allele frequency attached by ClinVar (database versions not stated): gnomAD exomes below 0.00001 and 0.00001; TOPMed below 0.00001; gnomAD 0.00001.
gnomAD v4.1: 20 of 1,614,004 alleles (0.0012%); highest among the groups gnomAD compares: South Asian, 0.0022%; no homozygotes.

Submissions (12):

PreventionGenetics, part of Exact Sciences
Classification: Pathogenic for LPL-related condition. Last evaluated: 2026-06-11. Review status: criteria provided, single submitter. Criteria: ACMG Guidelines, 2015. Collection method: clinical testing. Allele origin: germline.
Comment: The LPL c.809G>A variant is predicted to result in the amino acid substitution p.Arg270His. This variant, previously described as p.Arg243His using legacy nomenclature, has been reported in the homozygous and compound heterozgyous states in multiple individuals with autosomal recessive lipoprotein lipase deficiency (for example, see Dichek et al. 1991. PubMed ID: 1702428; Ishimura-Oka et al. 1992. PubMed ID: 1619366; Table S4A, Rabacchi et al. 2015. PubMed ID: 25966443; Strøm et al. 2024. PubMed ID: 37981531). This variant has also been reported in the heterozygous state in individuals with isolated hypertriglyceridemia (Table S4A, Rabacchi et al. 2015. PubMed ID: 25966443; Perera et al. 2023. PubMed ID: 36476373). In vitro studies in transformed mammalian cell lines have demonstrated that this variant leads to reduced LPL protein expression and a complete loss of enzymatic activity (Dichek et al. 1991. PubMed ID: 1702428; Gotoda et al. 1991. PubMed ID: 1752947; Ishimura-Oka et al. 1992. PubMed ID: 1619366; Hu et al. 2024. PubMed ID: 38561841). This variant is reported in 0.0033% of alleles in individuals of South Asian descent in gnomAD. Taken together, the p.Arg270His variant is interpreted as pathogenic.

Labcorp Genetics (formerly Invitae), Labcorp
Classification: Pathogenic. Last evaluated: 2025-12-26. Review status: criteria provided, single submitter. Criteria: Invitae Variant Classification Sherloc (09022015). Collection method: clinical testing. Allele origin: germline.
Comment: This sequence change replaces arginine, which is basic and polar, with histidine, which is basic and polar, at codon 270 of the LPL protein (p.Arg270His). This variant is present in population databases (rs118204062, gnomAD 0.003%). This missense change has been observed in individuals with clinical features of lipoprotein lipase deficiency (PMID: 7906986, 23484243, 25966443). This variant is also known as p.Arg243His. ClinVar contains an entry for this variant (Variation ID: 1530). Invitae Evidence Modeling of protein sequence and biophysical properties (such as structural, functional, and spatial information, amino acid conservation, physicochemical variation, residue mobility, and thermodynamic stability) indicates that this missense variant is expected to disrupt LPL protein function with a positive predictive value of 80%. Experimental studies have shown that this missense change affects LPL function (PMID: 1752947). This variant disrupts the p.Arg270 amino acid residue in LPL. Other variant(s) that disrupt this residue have been determined to be pathogenic (PMID: 7906986, 25966443, 29153744). This suggests that this residue is clinically significant, and that variants that disrupt this residue are likely to be disease-causing. For these reasons, this variant has been classified as Pathogenic.

Ambry Genetics
Classification: Pathogenic for Cardiovascular phenotype. Last evaluated: 2025-10-20. Review status: criteria provided, single submitter. Criteria: Ambry Variant Classification Scheme 2023. Collection method: clinical testing. Allele origin: germline.
Comment: The p.R270H pathogenic mutation (also known as c.809G>A), located in coding exon 6 of the LPL gene, results from a G to A substitution at nucleotide position 809. The arginine at codon 270 is replaced by histidine, an amino acid with highly similar properties. This alteration has been detected in homozygous and compound heterozygous patients with severe hypertriglyceridemia and chylomicronemia (Gotoda T et al. J Clin Invest, 1991 12;88:1856-64; Ma Y et al. Hum Mutat, 1994;3:52-8; Behar DM et al. Isr Med Assoc J, 2013 Jan;15:53-4). In vitro studies have found this mutation impairs LPL protein function (Gotoda T et al. J Clin Invest, 1991 12;88:1856-64). This amino acid position is highly conserved in available vertebrate species. In addition, this alteration is predicted to be deleterious by in silico analysis. This variant is considered to be rare based on population cohorts in the Genome Aggregation Database (gnomAD). Based on the supporting evidence, this alteration is interpreted as a disease-causing mutation.

Natera, Inc.
Classification: Pathogenic for Lipoprotein lipase deficiency. Last evaluated: 2025-10-13. Review status: criteria provided, single submitter. Criteria: Natera Variant Classification Schema (03/2026). Collection method: clinical testing. Allele origin: germline.
Comment: The c.809G>A variant in LPL is a missense variant predicted to cause substitution of arginine to histidine at amino acid 270. This variant has been observed in one or more individuals affected with the associated recessive disease, as either homozygous or compound heterozygous with a second variant (PMID: 28951076, 25966443). Given the available evidence, this variant is classified as Pathogenic.

Broad Center for Mendelian Genomics, Broad Institute of MIT and Harvard
Classification: Likely pathogenic for Hyperlipidemia, familial combined, LPL related. Last evaluated: 2024-08-05. Review status: criteria provided, single submitter. Criteria: ACMG Guidelines, 2015. Collection method: curation. Allele origin: germline. Inheritance: Autosomal dominant inheritance.
Comment: The p.Arg270His variant in LPL has been reported in 6 individuals (Dutch, Italian, Japanese, and Chinese) with familial combined hyperlipidemia (PMID: 22239554, 29748148, 25966443, 1752947, 7906986), and has been identified in 0.003% (1/30614) of South Asian chromosomes by the Genome Aggregation Database (gnomAD; dbSNP rs118204062). This variant has also been reported in ClinVar as pathogenic (Variation ID: 1530). In vitro functional studies provide some evidence that the p.Arg270His variant may impact protein function (PMID: 1752947). However, these types of assays may not accurately represent biological function. Computational prediction tools and conservation analyses suggest that this variant may impact the protein, though this information is not predictive enough to determine pathogenicity. In summary, while there is some suspicion for a pathogenic role, the clinical significance of this variant is uncertain. ACMG/AMP Criteria applied: PS3_supporting, PP3, PM2 (Richards 2015).

Blueprint Genetics
Classification: Pathogenic for LPL-related disorders. Last evaluated: 2023-11-30. Review status: criteria provided, single submitter. Criteria: ACMG Guidelines, 2015. Collection method: clinical testing. Allele origin: germline. Affected: yes. Observed: 3 variant alleles.

GeneDx
Classification: Pathogenic. Last evaluated: 2023-05-31. Review status: criteria provided, single submitter. Criteria: GeneDx Variant Classification Process June 2021. Collection method: clinical testing. Allele origin: germline. Affected: yes.
Comment: Not observed at significant frequency in large population cohorts (gnomAD); Published functional studies demonstrate a decreased levels of LPL mass in media and non-detectable enzymatic activity in transfected cells (Gotoda et al., 1991).; In silico analysis supports that this missense variant has a deleterious effect on protein structure/function; Also known as p.(R243H); This variant is associated with the following publications: (PMID: 27055971, 7906986, 23484243, 1752947, 27153815, 1702428, 1619366, 32041611, 33303402, 23337350)

Women's Health and Genetics/Laboratory Corporation of America, LabCorp
Classification: Pathogenic for Hyperlipoproteinemia, type I. Last evaluated: 2022-07-06. Review status: criteria provided, single submitter. Criteria: LabCorp Variant Classification Summary - May 2015. Collection method: clinical testing. Allele origin: germline.
Comment: Variant summary: LPL c.809G>A (p.Arg270His) results in a non-conservative amino acid change located in the Lipase domain of the encoded protein sequence. Five of five in-silico tools predict a damaging effect of the variant on protein function. The variant allele was found at a frequency of 4e-06 in 251284 control chromosomes. c.809G>A has been reported in the literature in multiple individuals affected with Familial Lipoprotein Lipase Deficiency in the homozygous and compound heterozygous state (Gotoda_1991, Ishimura-Oka_1992, Suzuki_2016). These data indicate that the variant is very likely to be associated with disease. Expression studies have shown the variant to have no detectable enzymatic activity (Gotoda_1991, Ishimura-Oka_1992). Other variants affecting the same codon have been reported in association with Lipoprotein lipase deficiency and Hypertriglyceridaemia (R270C, R270G, R270L; HGMD). Five clinical diagnostic laboratories have submitted clinical-significance assessments for this variant to ClinVar after 2014 without evidence for independent evaluation. Four labs classified the variant as pathogenic while one classified as VUS. Based on the evidence outlined above, the variant was classified as pathogenic.

Dasa
Classification: Pathogenic for Hyperlipoproteinemia, type I. Last evaluated: 2022-01-05. Review status: criteria provided, single submitter. Criteria: ACMG Guidelines, 2015. Collection method: clinical testing. Allele origin: germline. Affected: yes. Observed: 2 variant alleles.
Comment: The c.809G>A;p.(Arg270His) missense variant has been observed in affected individual(s) and ClinVar contains an entry for this variant (ClinVar ID: 1530; OMIM: 609708.0011; PMID: 23484243; 25966443; 7906986) - PS4. Well-established in vitro or in vivo functional studies support a damaging effect on the gene or gene product (PMID: 1752947) - PS3_supporting. The variant is located in a mutational hot spot and/or critical and well-established functional domain (Lipase) - PM1. The variant is present at low allele frequencies population databases (rs118204062– gnomAD 0.0001315%; ABraOM no frequency) - PM2_supporting. The p.(Arg270His) was detected in trans with a pathogenic variant (PMID: 25966443) - PM3. Pathogenic missense variant in this residue have been reported (ClinVar ID: 1548; PMID: 29153744) - PM5. The variant co-segregated with disease in multiple affected family members (PMID: 25966443; 23484243) - PP1_strong. Multiple lines of computational evidence support a deleterious effect on the gene or gene product - PP3. In summary, the currently available evidence indicates that the variant is pathogenic.

OMIM
Classification: Pathogenic for LIPOPROTEIN LIPASE DEFICIENCY. Last evaluated: 1994-01-01. Review status: no assertion criteria provided. Collection method: literature only. Allele origin: germline. Not counted in ClinVar's aggregate classification.

Clinical Genetics, Academic Medical Center
Classification: Pathogenic. Review status: no assertion criteria provided. Collection method: clinical testing. Allele origin: germline. Affected: yes. Study: VKGL Data-share Consensus. Not counted in ClinVar's aggregate classification.

Diagnostic Laboratory, Department of Genetics, University Medical Center Groningen
Classification: Pathogenic. Review status: no assertion criteria provided. Collection method: clinical testing. Allele origin: germline. Affected: yes. Study: VKGL Data-share Consensus. Not counted in ClinVar's aggregate classification.

Literature cited by the submitters: PubMed 7906986 (cited by 4 submitters); PubMed 23484243 (cited by 3 submitters); PubMed 25966443 (cited by 4 submitters); PubMed 1752947 (cited by 5 submitters); PubMed 29153744 (cited by Labcorp Genetics (formerly Invitae), Labcorp); PubMed 28951076 (cited by Natera, Inc.); PubMed 1619366 (cited by Women's Health and Genetics/Laboratory Corporation of America, LabCorp); PubMed 27150867 (cited by Women's Health and Genetics/Laboratory Corporation of America, LabCorp); PubMed 1702428 (cited by OMIM).

NM_000237.3(LPL):c.809G>A (p.Arg270His)

Gene: LPL (lipoprotein lipase; plus strand). Cytogenetic location: 8p21.3.
Variant type: single nucleotide variant.
Coding change: c.809G>A on transcript NM_000237.3 (MANE Select); coding-DNA position 809, G replaced by A.
Protein change: p.Arg270His; replaces arginine 270 with histidine.
Molecular consequence: missense variant.
Genome position (GRCh38, 1-based): chr8:19,955,874, G>A. VCF-style: chr8-19955874-G-A. GRCh37 (hg19) VCF-style: chr8-19813385-G-A.
Other names: R243H; short protein forms R270H.
Identifiers: ClinVar variation 1530 (VCV000001530.25), dbSNP rs118204062, ClinGen allele CA251868.